The following is an entry in ClinVar:

ClinVar aggregate classification (germline): Uncertain significance. Review status: criteria provided, multiple submitters, no conflicts (2 of 4 stars). 2 submissions from 2 submitters: Uncertain significance (2). Last evaluated 2024-04-25.

Conditions:
Acyl-CoA oxidase deficiency. Also called: STRAIGHT-CHAIN ACYL-CoA OXIDASE DEFICIENCY; Pseudoneonatal adrenoleukodystrophy; Peroxisomal acyl-CoA oxidase deficiency. Identifiers: Orphanet 2971, MedGen C1849678, MONDO:0009919, OMIM 264470. Disease mechanism: loss of function.

Allele frequency attached by ClinVar (database versions not stated): TOPMed below 0.00001; gnomAD exomes 0.00001 and 0.00002; ExAC 0.00002.
gnomAD v4.1: 10 of 1,614,106 alleles (0.00062%); highest among the groups gnomAD compares: South Asian, 0.0011%; no homozygotes.

Submissions (2):

Labcorp Genetics (formerly Invitae), Labcorp
Classification: Uncertain significance for Acyl-CoA oxidase deficiency. Last evaluated: 2024-04-25. Review status: criteria provided, single submitter. Criteria: Invitae Variant Classification Sherloc (09022015). Collection method: clinical testing. Allele origin: germline.
Comment: This sequence change replaces valine, which is neutral and non-polar, with alanine, which is neutral and non-polar, at codon 514 of the ACOX1 protein (p.Val514Ala). This variant is present in population databases (rs776575018, gnomAD 0.002%). This variant has not been reported in the literature in individuals affected with ACOX1-related conditions. ClinVar contains an entry for this variant (Variation ID: 325376). Advanced modeling of protein sequence and biophysical properties (such as structural, functional, and spatial information, amino acid conservation, physicochemical variation, residue mobility, and thermodynamic stability) performed at Invitae indicates that this missense variant is not expected to disrupt ACOX1 protein function with a negative predictive value of 80%. In summary, the available evidence is currently insufficient to determine the role of this variant in disease. Therefore, it has been classified as a Variant of Uncertain Significance.

Illumina Laboratory Services, Illumina
Classification: Uncertain significance for Acyl-CoA oxidase deficiency. Last evaluated: 2018-01-12. Review status: criteria provided, single submitter. Criteria: ICSL Variant Classification Criteria 13 December 2019. Collection method: clinical testing. Allele origin: germline.

NM_004035.7(ACOX1):c.1541T>C (p.Val514Ala)

Gene: ACOX1 (acyl-CoA oxidase 1; minus strand). Cytogenetic location: 17q25.1.
Variant type: single nucleotide variant.
Coding change: c.1541T>C on transcript NM_004035.7 (MANE Select); coding-DNA position 1541, T replaced by C.
Protein change: p.Val514Ala; replaces valine 514 with alanine.
Molecular consequence: missense variant.
Genome position (GRCh38, 1-based): chr17:75,949,538, A>G on the plus strand (T>C on the coding strand, the complement: ACOX1 is on the minus strand). VCF-style: chr17-75949538-A-G. GRCh37 (hg19) VCF-style: chr17-73945619-A-G.
Other names: c.1427T>C, p.Val476Ala (NM_001185039.2); c.1541T>C, p.Val514Ala (NM_007292.6); short protein forms V514A, V476A.
Identifiers: ClinVar variation 325376 (VCV000325376.7), dbSNP rs776575018, ClinGen allele CA8776739.